The following is an entry in ClinVar:

ClinVar aggregate classification (germline): Likely benign. Review status: criteria provided, single submitter (1 of 4 stars). 2 submissions from 2 submitters: Likely benign (1). 1 of the submissions does not count toward it. Last evaluated 2021-02-02.

Conditions:
STAG1-related disorder. Also called: STAG1-related disorders.

Allele frequency attached by ClinVar (database versions not stated): gnomAD exomes below 0.00001.
gnomAD v4.1: 2 of 1,606,704 alleles (0.00012%); highest among the groups gnomAD compares: Non-Finnish European, 0.00017%; no homozygotes.

Submissions (2):

Blueprint Genetics
Classification: Likely benign. Last evaluated: 2021-02-02. Review status: criteria provided, single submitter. Criteria: ACMG Guidelines, 2015. Collection method: clinical testing. Allele origin: germline.

PreventionGenetics, part of Exact Sciences
Classification: Likely benign for STAG1-related condition. Last evaluated: 2022-02-07. Review status: no assertion criteria provided. Collection method: clinical testing. Allele origin: germline. Not counted in ClinVar's aggregate classification.
Comment: This variant is classified as likely benign based on ACMG/AMP sequence variant interpretation guidelines (Richards et al. 2015 PMID: 25741868, with internal and published modifications).

NM_005862.3(STAG1):c.3003G>A (p.Leu1001=)

Gene: STAG1 (STAG1 cohesin complex component; minus strand). Cytogenetic location: 3q22.3.
Variant type: single nucleotide variant.
Coding change: c.3003G>A on transcript NM_005862.3 (MANE Select); coding-DNA position 3003, G replaced by A.
Protein change: p.Leu1001=; no amino-acid change (leucine 1001 retained).
Molecular consequence: synonymous variant.
Genome position (GRCh38, 1-based): chr3:136,357,782, C>T on the plus strand (G>A on the coding strand, the complement: STAG1 is on the minus strand). VCF-style: chr3-136357782-C-T. GRCh37 (hg19) VCF-style: chr3-136076624-C-T.
Identifiers: ClinVar variation 3029601 (VCV003029601.3), dbSNP rs2530078235, ClinGen allele CA435839805.